The following is an entry in ClinVar:

NM_033123.4(PLCZ1):c.541G>T (p.Gly181Ter)

Genes: PIK3C2G (phosphatidylinositol-4-phosphate 3-kinase catalytic subunit type 2 gamma; plus strand), PLCZ1 (phospholipase C zeta 1; minus strand). Cytogenetic location: 12p12.3.
Variant type: single nucleotide variant.
Coding change: c.541G>T on transcript NM_033123.4 (MANE Select); coding-DNA position 541, G replaced by T.
Protein change: p.Gly181Ter; replaces glycine 181 with a stop codon.
Molecular consequence: nonsense. On other transcripts: intron variant (1).
Genome position (GRCh38, 1-based): chr12:18,719,459, C>A on the plus strand (G>T on the coding strand, the complement: PLCZ1 is on the minus strand). VCF-style: chr12-18719459-C-A. GRCh37 (hg19) VCF-style: chr12-18872393-C-A.
Other names: c.229G>T, p.Gly77Ter (NM_001330774.2); c.136-14144G>T (NM_001330769.1); short protein forms G77*, G181*.
Identifiers: ClinVar variation 4993363 (VCV004993363.1).

ClinVar aggregate classification (germline): Likely pathogenic (1 of 4 stars; one submission).

Conditions:
PLCZ1-related disorder. Also called: PLCZ1-related condition.

Submission:

PreventionGenetics, part of Exact Sciences
Classification: Likely pathogenic for PLCZ1-related condition. Last evaluated: 2026-09-14. Review status: criteria provided, single submitter. Criteria: ACMG Guidelines, 2015. Collection method: clinical testing. Allele origin: germline.
Comment: The PLCZ1 c.541G>T variant is predicted to result in premature protein termination (p.Gly181*). To our knowledge, this variant has not been reported in the literature or in a large population database (gnomAD), indicating this variant is rare. Nonsense variants in PLCZ1 are expected to be pathogenic. This variant is interpreted as likely pathogenic.